The following is an entry in ClinVar:

ClinVar aggregate classification (germline): Uncertain significance (1 of 4 stars; one submission).

Submission:

Quest Diagnostics Nichols Institute San Juan Capistrano
Classification: Uncertain significance. Last evaluated: 2023-06-13. Review status: criteria provided, single submitter. Criteria: Quest Diagnostics criteria. Collection method: clinical testing. Allele origin: unknown.
Comment: To the best of our knowledge, this variant has not been reported in the published literature. It also has not been reported in large, multi-ethnic general populations (Genome Aggregation Database). Based on the available information, we are unable to determine the clinical significance of this variant.

Literature cited by the submitters: PubMed 17190853; PubMed 19506361; PubMed 26917779; PubMed 28971901.

NM_000552.5(VWF):c.4213AAG[2] (p.Lys1407_Lys1408del)

Gene: VWF (von Willebrand factor; minus strand). Cytogenetic location: 12p13.31.
Variant type: Microsatellite.
Coding change: c.4213AAG[2] on transcript NM_000552.5 (MANE Select); two copies in a row of the 3-base unit AAG starting at c.4213; the reference has four copies in a row; two copies, 6 bases deleted.
Protein change: p.Lys1407_Lys1408del.
Molecular consequence: inframe deletion.
Genome position (GRCh38, 1-based): chr12:6,019,194-6,019,199, CTTCTT deleted on the plus strand (AAGAAG on the coding strand, the reverse complement: VWF is on the minus strand); deleting any 6 consecutive bases within chr12:6,019,194-6,019,206 gives the same sequence; the position shown is the placement nearest the transcript's 3' end. VCF-style (leftmost placement, unchanged base first): chr12-6019193-CCTTCTT-C. GRCh37 (hg19) VCF-style: chr12-6128359-CCTTCTT-C.
Identifiers: ClinVar variation 2682113 (VCV002682113.1), dbSNP rs61750078, ClinGen allele CA2617230578.